The following is an entry in ClinVar:

ClinVar aggregate classification (germline): Uncertain significance (1 of 4 stars; one submission).

Allele frequency attached by ClinVar (database versions not stated): gnomAD exomes 0.00039 and 0.00063; ExAC 0.00040; gnomAD 0.00036 and 0.00040; TOPMed 0.00034; ESP Exome Variant Server 0.00054.
gnomAD v4.1: 971 of 1,599,782 alleles (0.061%); highest among the groups gnomAD compares: Non-Finnish European, 0.076%; 1 homozygote.

Submission:

Labcorp Genetics (formerly Invitae), Labcorp
Classification: Uncertain significance. Last evaluated: 2026-02-02. Review status: criteria provided, single submitter. Criteria: Invitae Variant Classification Sherloc (09022015). Collection method: clinical testing. Allele origin: germline.
Comment: This sequence change replaces serine, which is neutral and polar, with proline, which is neutral and non-polar, at codon 490 of the SUCO protein (p.Ser490Pro). This variant is present in population databases (rs146243457, gnomAD 0.07%), and has an allele count higher than expected for a pathogenic variant. This variant has not been reported in the literature in individuals affected with SUCO-related conditions. ClinVar contains an entry for this variant (Variation ID: 1398724). An algorithm developed to predict the effect of missense changes on protein structure and function (PolyPhen-2) suggests that this variant is likely to be tolerated. In summary, the available evidence is currently insufficient to determine the role of this variant in disease. Therefore, it has been classified as a Variant of Uncertain Significance.

NM_014283.5(SUCO):c.1468T>C (p.Ser490Pro)

Gene: SUCO (SUN domain containing ossification factor; plus strand). Cytogenetic location: 1q24.3.
Variant type: single nucleotide variant.
Coding change: c.1468T>C on transcript NM_014283.5 (MANE Select); coding-DNA position 1468, T replaced by C.
Protein change: p.Ser490Pro; replaces serine 490 with proline.
Molecular consequence: missense variant. On other transcripts: 5 prime UTR variant (1).
Genome position (GRCh38, 1-based): chr1:172,579,237, T>C. VCF-style: chr1-172579237-T-C. GRCh37 (hg19) VCF-style: chr1-172548377-T-C.
Other names: c.1357T>C, p.Ser453Pro (NM_001282750.2); c.-62T>C (NM_001282751.2); c.1921T>C, p.Ser641Pro (NM_016227.4); short protein forms S453P, S490P, S641P.
Identifiers: ClinVar variation 1398724 (VCV001398724.6), dbSNP rs146243457, ClinGen allele CA1246886.